The following is an entry in ClinVar:

ClinVar aggregate classification (germline): Uncertain significance (1 of 4 stars; one submission).

Submission:

GeneDx
Classification: Uncertain significance. Last evaluated: 2025-02-25. Review status: criteria provided, single submitter. Criteria: GeneDx Variant Classification Process June 2021. Collection method: clinical testing. Allele origin: germline. Affected: yes.
Comment: Not observed at significant frequency in large population cohorts (gnomAD); In silico analysis indicates that this missense variant does not alter protein structure/function; Has not been previously published as pathogenic or benign to our knowledge

NM_004700.4(KCNQ4):c.1198C>G (p.Arg400Gly)

Gene: KCNQ4 (potassium voltage-gated channel subfamily Q member 4; plus strand). Cytogenetic location: 1p34.2.
Variant type: single nucleotide variant.
Coding change: c.1198C>G on transcript NM_004700.4 (MANE Select); coding-DNA position 1198, C replaced by G.
Protein change: p.Arg400Gly; replaces arginine 400 with glycine.
Molecular consequence: missense variant. On other transcripts: intron variant (1).
Genome position (GRCh38, 1-based): chr1:40,824,164, C>G. VCF-style: chr1-40824164-C-G. GRCh37 (hg19) VCF-style: chr1-41289836-C-G.
Other names: c.1130+1762C>G (NM_172163.3); short protein forms R400G.
Identifiers: ClinVar variation 4077220 (VCV004077220.1).
Genomic context (GRCh38, chr1:40,824,164, plus strand): 5'-GCCCTCTTGTTTGAGCACGTGCAACGGGCCCGCAATGGGGGCCTACGGCCCCTGGAGGTG[C>G]GGCGGGCGCCGGTACCCGACGGAGCACCCTCCCGTTACCCGCCCGTTGCCACCTGCCACC-3'
Protein context (NP_004691.2, residues 390-410): RNGGLRPLEV[Arg400Gly]RAPVPDGAPS